The following is an entry in ClinVar:

ClinVar aggregate classification (germline): Uncertain significance. Review status: criteria provided, multiple submitters, no conflicts (2 of 4 stars). 2 submissions from 2 submitters: Uncertain significance (2). Last evaluated 2025-06-06.

Allele frequency attached by ClinVar (database versions not stated): gnomAD exomes below 0.00001; TOPMed 0.00002; gnomAD 0.00001.
gnomAD v4.1: 7 of 1,613,338 alleles (0.00043%); highest among the groups gnomAD compares: Non-Finnish European, 0.00059%; no homozygotes.

Submissions (2):

Ambry Genetics
Classification: Uncertain significance. Last evaluated: 2025-06-06. Review status: criteria provided, single submitter. Criteria: Ambry Variant Classification Scheme 2023. Collection method: clinical testing. Allele origin: germline.

Labcorp Genetics (formerly Invitae), Labcorp
Classification: Uncertain significance. Last evaluated: 2022-05-18. Review status: criteria provided, single submitter. Criteria: Invitae Variant Classification Sherloc (09022015). Collection method: clinical testing. Allele origin: germline.
Comment: This sequence change replaces threonine, which is neutral and polar, with isoleucine, which is neutral and non-polar, at codon 461 of the PNLIP protein (p.Thr461Ile). This variant is present in population databases (no rsID available, gnomAD 0.002%). This variant has not been reported in the literature in individuals affected with PNLIP-related conditions. Algorithms developed to predict the effect of missense changes on protein structure and function are either unavailable or do not agree on the potential impact of this missense change (SIFT: "Not Available"; PolyPhen-2: "Possibly Damaging"; Align-GVGD: "Not Available"). In summary, the available evidence is currently insufficient to determine the role of this variant in disease. Therefore, it has been classified as a Variant of Uncertain Significance.

NM_000936.4(PNLIP):c.1382C>T (p.Thr461Ile)

Gene: PNLIP (pancreatic lipase; plus strand). Cytogenetic location: 10q25.3.
Variant type: single nucleotide variant.
Coding change: c.1382C>T on transcript NM_000936.4 (MANE Select); coding-DNA position 1382, C replaced by T.
Protein change: p.Thr461Ile; replaces threonine 461 with isoleucine.
Molecular consequence: missense variant.
Genome position (GRCh38, 1-based): chr10:116,567,782, C>T. VCF-style: chr10-116567782-C-T. GRCh37 (hg19) VCF-style: chr10-118327294-C-T.
Other names: c.1382C>T (NM_000936.2); short protein forms T461I.
Identifiers: ClinVar variation 2053387 (VCV002053387.3), dbSNP rs1193395316, ClinGen allele CA378498603.